The following is an entry in ClinVar:

NM_001005373.4(LRSAM1):c.304C>T (p.Gln102Ter)

Gene: LRSAM1 (leucine rich repeat and sterile alpha motif containing 1; plus strand). Cytogenetic location: 9q33.3.
Variant type: single nucleotide variant.
Coding change: c.304C>T on transcript NM_001005373.4 (MANE Select); coding-DNA position 304, C replaced by T.
Protein change: p.Gln102Ter; replaces glutamine 102 with a stop codon.
Molecular consequence: nonsense. On other transcripts: 5 prime UTR variant (1), non-coding transcript variant (2).
Genome position (GRCh38, 1-based): chr9:127,459,054, C>T. VCF-style: chr9-127459054-C-T. GRCh37 (hg19) VCF-style: chr9-130221333-C-T.
Other names: c.304C>T, p.Gln102Ter (NM_001384142.1, NM_001384143.1, NM_138361.5 and 2 more transcripts); c.-481C>T (NM_001384144.1); short protein forms Q102*.
Identifiers: ClinVar variation 3648191 (VCV003648191.2).

ClinVar aggregate classification (germline): Pathogenic (1 of 4 stars; one submission).

Conditions:
Charcot-Marie-Tooth disease axonal type 2P. Also called: Charcot-Marie-Tooth Neuropathy Type 2G; CHARCOT-MARIE-TOOTH NEUROPATHY, TYPE 2P; CHARCOT-MARIE-TOOTH DISEASE, AXONAL, TYPE 2G; CMT 2G. Identifiers: Orphanet 300319, Orphanet 99941, MedGen C3280797, MONDO:0013753, OMIM 614436.

Submission:

Labcorp Genetics (formerly Invitae), Labcorp
Classification: Pathogenic for Charcot-Marie-Tooth disease axonal type 2P. Last evaluated: 2025-11-06. Review status: criteria provided, single submitter. Criteria: Invitae Variant Classification Sherloc (09022015). Collection method: clinical testing. Allele origin: germline.
Comment: This sequence change creates a premature translational stop signal (p.Gln102*) in the LRSAM1 gene. It is expected to result in an absent or disrupted protein product. Loss-of-function variants in LRSAM1 are known to be pathogenic (PMID: 20865121, 33414056). This variant is not present in population databases (gnomAD no frequency). This variant has not been reported in the literature in individuals affected with LRSAM1-related conditions. ClinVar contains an entry for this variant (Variation ID: 3648191). For these reasons, this variant has been classified as Pathogenic.

Literature cited by the submitters: PubMed 20865121; PubMed 33414056.